The following is an entry in ClinVar:

NM_031448.6(C19orf12):c.313G>T (p.Val105Leu)

Gene: C19orf12 (chromosome 19 open reading frame 12; minus strand). Cytogenetic location: 19q12.
Variant type: single nucleotide variant.
Coding change: c.313G>T on transcript NM_031448.6 (MANE Select); coding-DNA position 313, G replaced by T.
Protein change: p.Val105Leu; replaces valine 105 with leucine.
Molecular consequence: missense variant. On other transcripts: intron variant (1).
Genome position (GRCh38, 1-based): chr19:29,702,825, C>A on the plus strand (G>T on the coding strand, the complement: C19orf12 is on the minus strand). VCF-style: chr19-29702825-C-A. GRCh37 (hg19) VCF-style: chr19-30193732-C-A.
Other names: c.313G>T, p.Val105Leu (NM_001031726.4, NM_001256047.2); c.121G>T, p.Val41Leu (NM_001282929.1, NM_001282930.3, NM_001282931.3); c.290+23G>T (NM_001256046.3); short protein forms V105L, V41L.
Identifiers: ClinVar variation 3896196 (VCV003896196.2).

ClinVar aggregate classification (germline): Uncertain significance (1 of 4 stars; one submission).

gnomAD v4.1: 6 of 1,614,056 alleles (0.00037%); highest among the groups gnomAD compares: South Asian, 0.0066%; no homozygotes.

Submission:

Women's Health and Genetics/Laboratory Corporation of America, LabCorp
Classification: Uncertain significance. Last evaluated: 2025-04-30. Review status: criteria provided, single submitter. Criteria: LabCorp Variant Classification Summary - May 2015. Collection method: clinical testing. Allele origin: germline.
Comment: Variant summary: C19orf12 c.313G>T (p.Val105Leu) results in a conservative amino acid change in the encoded protein sequence. Five of five in-silico tools predict a benign effect of the variant on protein function. The variant allele was found at a frequency of 1.6e-05 in 251040 control chromosomes. The available data on variant occurrences in the general population are insufficient to allow any conclusion about variant significance. To our knowledge, no occurrence of c.313G>T in individuals affected with Neurodegeneration With Brain Iron Accumulation and no experimental evidence demonstrating its impact on protein function have been reported. No submitters have cited clinical-significance assessments for this variant to ClinVar. Based on the evidence outlined above, the variant was classified as uncertain significance.